The following is an entry in ClinVar:

NM_004168.4(SDHA):c.421T>G (p.Tyr141Asp)

Gene: SDHA (succinate dehydrogenase complex flavoprotein subunit A; plus strand). Cytogenetic location: 5p15.33.
Variant type: single nucleotide variant.
Coding change: c.421T>G on transcript NM_004168.4 (MANE Select); coding-DNA position 421, T replaced by G.
Protein change: p.Tyr141Asp; replaces tyrosine 141 with aspartic acid.
Molecular consequence: missense variant. On other transcripts: intron variant (1).
Genome position (GRCh38, 1-based): chr5:225,527, T>G. VCF-style: chr5-225527-T-G. GRCh37 (hg19) VCF-style: chr5-225642-T-G.
Other names: c.421T>G, p.Tyr141Asp (NM_001330758.2); c.313-356T>G (NM_001294332.2); short protein forms Y141D.
Identifiers: ClinVar variation 486360 (VCV000486360.17), dbSNP rs1553997643, ClinGen allele CA359009582.
Genomic context (GRCh38, chr5:225,527, plus strand): 5'-TGGCATTTCTACGACACCGTGAAGGGCTCCGACTGGCTGGGGGACCAGGATGCCATCCAC[T>G]ACATGACGGAGCAGGCCCCCGCCGCCGTGGTCGAGGTGATGGGCGGGAGGCTCTGGGTGT-3'
Protein context (NP_004159.2, residues 131-151): DWLGDQDAIH[Tyr141Asp]MTEQAPAAVV

ClinVar aggregate classification (germline): Uncertain significance. Review status: criteria provided, multiple submitters, no conflicts (2 of 4 stars). 3 submissions from 3 submitters: Uncertain significance (3). Last evaluated 2026-06-02.

Conditions:
Pheochromocytoma/paraganglioma syndrome 5. Also called: Paragangliomas 5; SDHA-Related Hereditary Paraganglioma-Pheochromocytoma Syndrome. Identifiers: Orphanet 29072, MedGen C3279992, MONDO:0013602, OMIM 614165.
Mitochondrial complex II deficiency, nuclear type 1. Also called: SUCCINATE CoQ REDUCTASE DEFICIENCY. Identifiers: Orphanet 3208, MedGen C5700310, MONDO:0100294, OMIM 252011.
Hereditary cancer-predisposing syndrome. Also called: Tumor predisposition; Hereditary Cancer Syndrome; Neoplastic Syndromes, Hereditary; Hereditary neoplastic syndrome. Identifiers: Orphanet 140162, MedGen C0027672, MeSH D009386, MONDO:0015356.

Submissions (3):

Ambry Genetics
Classification: Uncertain significance for Hereditary cancer-predisposing syndrome. Last evaluated: 2026-06-02. Review status: criteria provided, single submitter. Criteria: Ambry Variant Classification Scheme 2023. Collection method: clinical testing. Allele origin: germline.
Comment: The p.Y141D variant (also known as c.421T>G), located in coding exon 4 of the SDHA gene, results from a T to G substitution at nucleotide position 421. The tyrosine at codon 141 is replaced by aspartic acid, an amino acid with highly dissimilar properties. This amino acid position is highly conserved in available vertebrate species. In addition, this alteration is predicted to be deleterious by in silico analysis. Based on the available evidence, the clinical significance of this variant remains unclear.

Labcorp Genetics (formerly Invitae), Labcorp
Classification: Uncertain significance for Pheochromocytoma/paraganglioma syndrome 5; Mitochondrial complex II deficiency, nuclear type 1. Last evaluated: 2025-03-29. Review status: criteria provided, single submitter. Criteria: Invitae Variant Classification Sherloc (09022015). Collection method: clinical testing. Allele origin: germline.
Comment: This sequence change replaces tyrosine, which is neutral and polar, with aspartic acid, which is acidic and polar, at codon 141 of the SDHA protein (p.Tyr141Asp). This variant is not present in population databases (gnomAD no frequency). This variant has not been reported in the literature in individuals affected with SDHA-related conditions. ClinVar contains an entry for this variant (Variation ID: 486360). Invitae Evidence Modeling of protein sequence and biophysical properties (such as structural, functional, and spatial information, amino acid conservation, physicochemical variation, residue mobility, and thermodynamic stability) has been performed for this missense variant. However, the output from this modeling did not meet the statistical confidence thresholds required to predict the impact of this variant on SDHA protein function. In summary, the available evidence is currently insufficient to determine the role of this variant in disease. Therefore, it has been classified as a Variant of Uncertain Significance.

Blueprint Genetics
Classification: Uncertain significance. Last evaluated: 2021-12-20. Review status: criteria provided, single submitter. Criteria: ACMG Guidelines, 2015. Collection method: clinical testing. Allele origin: germline.